The following is an entry in ClinVar:

NC_000009.11:g.(?_131678355)_(140095163_?)dup

Genes: ABCA2 (ATP binding cassette subfamily A member 2; minus strand), ABL1 (ABL proto-oncogene 1, non-receptor tyrosine kinase; plus strand), ABO (ABO, alpha 1-3-N-acetylgalactosaminyltransferase and alpha 1-3-galactosyltransferase; minus strand), ADAMTS13 (ADAM metallopeptidase with thrombospondin type 1 motif 13; plus strand), ADAMTSL2 (ADAMTS like 2; plus strand) and 144 more. Cytogenetic location: 9q34.11-34.3.
Variant type: Duplication.
Identifiers: ClinVar variation 3245294 (VCV003245294.1).

ClinVar aggregate classification (germline): Uncertain significance (1 of 4 stars; one submission).

Submission:

Labcorp Genetics (formerly Invitae), Labcorp
Classification: Uncertain significance. Last evaluated: 2022-12-28. Review status: criteria provided, single submitter. Criteria: Invitae Variant Classification Sherloc (09022015). Collection method: clinical testing. Allele origin: unknown.
Comment: In summary, the available evidence is currently insufficient to determine the role of this variant in disease. Therefore, it has been classified as a Variant of Uncertain Significance. Experimental studies and prediction algorithms are not available or were not evaluated, and the functional significance of this variant is currently unknown. This variant has not been reported in the literature in individuals affected with CRAT-related conditions. A gross deletion of the genomic region encompassing the full coding sequence of the CRAT gene has been identified. The current clinical and genetic evidence is not sufficient to establish whether loss-of-function variants in CRAT cause disease. The boundaries of this event are unknown as they extend beyond the assayed region for this gene and therefore may encompass additional genes.